The following is an entry in ClinVar:

ClinVar aggregate classification (germline): Uncertain significance (1 of 4 stars; one submission).

Allele frequency attached by ClinVar (database versions not stated): gnomAD exomes 0.00001.
gnomAD v4.1: 11 of 1,611,508 alleles (0.00068%); highest among the groups gnomAD compares: Non-Finnish European, 0.00085%; no homozygotes.

Submission:

GeneDx
Classification: Uncertain significance. Last evaluated: 2021-04-03. Review status: criteria provided, single submitter. Criteria: GeneDx Variant Classification Process June 2021. Collection method: clinical testing. Allele origin: germline. Affected: yes.
Comment: Not observed at a significant frequency in large population cohorts (Lek et al., 2016); In silico analysis supports that this missense variant does not alter protein structure/function; Has not been previously published as pathogenic or benign to our knowledge

NM_001384125.1(BLTP1):c.11863A>G (p.Ser3955Gly)

Gene: BLTP1 (bridge-like lipid transfer protein family member 1; plus strand). Cytogenetic location: 4q27.
Variant type: single nucleotide variant.
Coding change: c.11863A>G on transcript NM_001384125.1 (MANE Select); coding-DNA position 11863, A replaced by G.
Protein change: p.Ser3955Gly; replaces serine 3955 with glycine.
Molecular consequence: missense variant.
Genome position (GRCh38, 1-based): chr4:122,333,762, A>G. VCF-style: chr4-122333762-A-G. GRCh37 (hg19) VCF-style: chr4-123254917-A-G.
Other names: c.11599A>G, p.Ser3867Gly (NM_015312.4); short protein forms S3867G, S3955G.
Identifiers: ClinVar variation 1314591 (VCV001314591.2), dbSNP rs1424394590, ClinGen allele CA358079177.